The following is an entry in ClinVar:

ClinVar aggregate classification (germline): Pathogenic. Review status: criteria provided, multiple submitters, no conflicts (2 of 4 stars). 4 submissions from 4 submitters: Pathogenic (3). 1 of the submissions does not count toward it. Last evaluated 2023-04-10.

Conditions:
Intellectual disability. Also called: Intellectual developmental disorder; intellectual disabilities; Intellectual functioning disability. Identifiers: MedGen C3714756, MeSH D008607, MONDO:0001071, HP:0001249.
Microcephalic primordial dwarfism, Alazami type. Also called: FACIAL DYSMORPHISM, INTELLECTUAL DISABILITY, AND PRIMORDIAL DWARFISM; Alazami syndrome. Identifiers: Orphanet 319671, MedGen C3554439, MONDO:0014031, OMIM 615071.

Submissions (4):

Labcorp Genetics (formerly Invitae), Labcorp
Classification: Pathogenic. Last evaluated: 2023-04-10. Review status: criteria provided, single submitter. Criteria: Invitae Variant Classification Sherloc (09022015). Collection method: clinical testing. Allele origin: germline.
Comment: This sequence change creates a premature translational stop signal (p.Lys219Glufs*30) in the LARP7 gene. It is expected to result in an absent or disrupted protein product. Loss-of-function variants in LARP7 are known to be pathogenic (PMID: 22865833, 26374271, 26607181). The frequency data for this variant in the population databases is considered unreliable, as metrics indicate poor data quality at this position in the gnomAD database. This premature translational stop signal has been observed in individual(s) with clinical features of Alazami syndrome (PMID: 26374271). ClinVar contains an entry for this variant (Variation ID: 374900). Algorithms developed to predict the effect of sequence changes on RNA splicing suggest that this variant may disrupt the consensus splice site. For these reasons, this variant has been classified as Pathogenic.

GeneDx
Classification: Pathogenic. Last evaluated: 2023-02-06. Review status: criteria provided, single submitter. Criteria: GeneDx Variant Classification Process June 2021. Collection method: clinical testing. Allele origin: germline. Affected: yes.
Comment: Identified in a patient with with Alazami syndrome who had a second variant in the LARP7 gene in published literature (Ling et al., 2016); Frameshift variant predicted to result in protein truncation or nonsense mediated decay in a gene for which loss-of-function is a known mechanism of disease; Not observed at a significant frequency in large population cohorts (gnomAD); This variant is associated with the following publications: (PMID: 26374271, 31074943)

Cambridge Genomics Laboratory, East Genomic Laboratory Hub, NHS Genomic Medicine Service
Classification: Pathogenic for Intellectual disability. Last evaluated: 2020-05-12. Review status: criteria provided, single submitter. Criteria: ACGS Best Practice Guidelines for Variant Classification in Rare Disease 2020. Collection method: clinical testing. Allele origin: germline. Affected: yes. Observed: 1 variant allele.

OMIM
Classification: Pathogenic for ALAZAMI SYNDROME. Last evaluated: 2016-12-21. Review status: no assertion criteria provided. Collection method: literature only. Allele origin: germline. Not counted in ClinVar's aggregate classification.

Literature cited by the submitters: PubMed 22865833 (cited by Labcorp Genetics (formerly Invitae), Labcorp); PubMed 26374271 (cited by Labcorp Genetics (formerly Invitae), Labcorp and OMIM); PubMed 26607181 (cited by Labcorp Genetics (formerly Invitae), Labcorp).

NM_016648.3(LARP7):c.651_655del

Genes: LARP7 (La ribonucleoprotein 7, transcriptional regulator; plus strand), MIR302CHG (miR-302/367 cluster host gene; minus strand). Cytogenetic location: 4q25.
Variant type: Microsatellite.
Coding change: c.651_655del on transcript NM_016648.3; coding-DNA positions 651 to 655, 5 bases deleted (GAAGA; older notation c.651_655delGAAGA).
Genome position (GRCh38, 1-based): chr4:112,647,203-112,647,207, GAAGA deleted; deleting any 5 consecutive bases within chr4:112,647,197-112,647,207 gives the same sequence; the c. name uses the placement nearest the transcript's 3' end. VCF-style (leftmost placement, unchanged base first): chr4-112647196-CAGAAG-C. GRCh37 (hg19) VCF-style: chr4-113568352-CAGAAG-C.
Other names: c.651_655delGAAGA (NM_016648.3).
Identifiers: ClinVar variation 374900 (VCV000374900.11), ClinGen allele CA3049221.
Genomic context (GRCh38, chr4:112,647,196, plus strand): 5'-TTTTCAATATTTAAATAGGTGTAGTTGAAGTAAGATGAACTAATAATGATGGCACTTTTA[CAGAAG>C]AGAAGAAAAAGAAAAAGAAGAAGAAAGGCCGAATGAAAAAGGAAGACAATATCCAAGCCA-3'